The following is an entry in ClinVar:

ClinVar aggregate classification (germline): Conflicting classifications of pathogenicity. Review status: criteria provided, conflicting classifications (1 of 4 stars). 3 submissions from 3 submitters: Likely pathogenic (1); Uncertain significance (1). 1 of the submissions does not count toward it. Last evaluated 2025-09-10.

Conditions:
NEK8-related disorder. Also called: NEK8-related condition.
Renal-hepatic-pancreatic dysplasia 2 (RHPD2). Identifiers: MedGen C3809434, MONDO:0014174, OMIM 615415.
Nephronophthisis 9 (NPHP9). Identifiers: Orphanet 655, MedGen C3151188, MONDO:0013444, OMIM 613824.

Allele frequency attached by ClinVar (database versions not stated): ExAC 0.00001.
gnomAD v4.1: 98 of 1,613,118 alleles (0.0061%); highest among the groups gnomAD compares: Non-Finnish European, 0.0081%; no homozygotes.

Submissions (3):

Labcorp Genetics (formerly Invitae), Labcorp
Classification: Uncertain significance for Nephronophthisis 9. Last evaluated: 2025-09-10. Review status: criteria provided, single submitter. Criteria: Invitae Variant Classification Sherloc (09022015). Collection method: clinical testing. Allele origin: germline.
Comment: This sequence change affects codon 206 of the NEK8 mRNA. It is a 'silent' change, meaning that it does not change the encoded amino acid sequence of the NEK8 protein. RNA analysis indicates that this variant induces altered splicing and likely results in a shortened protein product. The frequency data for this variant in the population databases is considered unreliable, as metrics indicate poor data quality at this position in the gnomAD database. This variant has been observed in individual(s) with clinical features of NEK8-related conditions (PMID: 26967905). ClinVar contains an entry for this variant (Variation ID: 2500285). Variants that disrupt the consensus splice site are a relatively common cause of aberrant splicing (PMID: 17576681, 9536098). Studies have shown that this variant results in skipping of exon 4, but is expected to preserve the integrity of the reading-frame (PMID: 26967905). In summary, the available evidence is currently insufficient to determine the role of this variant in disease. Therefore, it has been classified as a Variant of Uncertain Significance.

Equipe Genetique des Anomalies du Developpement, Université de Bourgogne
Classification: Likely pathogenic for Renal-hepatic-pancreatic dysplasia 2. Last evaluated: 2023-03-23. Review status: criteria provided, single submitter. Criteria: ACMG Guidelines, 2015. Collection method: clinical testing. Allele origin: paternal. Inheritance: Autosomal recessive inheritance. Affected: yes.
Comment: This variant was observed in heterozygosity with variant c.1795C>T

PreventionGenetics, part of Exact Sciences
Classification: Likely benign for NEK8-related condition. Last evaluated: 2020-08-21. Review status: no assertion criteria provided. Collection method: clinical testing. Allele origin: germline. Not counted in ClinVar's aggregate classification.
Comment: This variant is classified as likely benign based on ACMG/AMP sequence variant interpretation guidelines (Richards et al. 2015 PMID: 25741868, with internal and published modifications).

Literature cited by the submitters: PubMed 26967905 (cited by Labcorp Genetics (formerly Invitae), Labcorp); PubMed 17576681 (cited by Labcorp Genetics (formerly Invitae), Labcorp); PubMed 9536098 (cited by Labcorp Genetics (formerly Invitae), Labcorp).

NM_178170.3(NEK8):c.618G>A (p.Ala206=)

Gene: NEK8 (NIMA related kinase 8; plus strand). Cytogenetic location: 17q11.2.
Variant type: single nucleotide variant.
Coding change: c.618G>A on transcript NM_178170.3 (MANE Select); coding-DNA position 618, G replaced by A.
Protein change: p.Ala206=; no amino-acid change (alanine 206 retained).
Molecular consequence: synonymous variant.
Genome position (GRCh38, 1-based): chr17:28,735,371, G>A. VCF-style: chr17-28735371-G-A. GRCh37 (hg19) VCF-style: chr17-27062389-G-A.
Other names: c.618G>A (NM_178170.2).
Identifiers: ClinVar variation 2500285 (VCV002500285.4), dbSNP rs778770826, ClinGen allele CA8467122.